The following is an entry in ClinVar:

ClinVar aggregate classification (germline): Benign (1 of 4 stars; one submission).

Allele frequency attached by ClinVar (database versions not stated): gnomAD 0.11084 and 0.10686; TOPMed 0.11353; 1000 Genomes Project 0.09225; 1000 Genomes Project 30x 0.09838.
gnomAD v4.1: 16,246 of 152,264 alleles (11%); highest among the groups gnomAD compares: African/African-American, 19%; 1,138 homozygotes.

Submission:

GeneDx
Classification: Benign. Last evaluated: 2018-06-14. Review status: criteria provided, single submitter. Criteria: GeneDx Variant Classification (06012015). Collection method: clinical testing. Allele origin: germline. Affected: yes.
Comment: This variant is considered likely benign or benign based on one or more of the following criteria: it is a conservative change, it occurs at a poorly conserved position in the protein, it is predicted to be benign by multiple in silico algorithms, and/or has population frequency not consistent with disease.

NM_001130987.2(DYSF):c.460+222G>A

Gene: DYSF (dysferlin; plus strand). Cytogenetic location: 2p13.2.
Variant type: single nucleotide variant.
Coding change: c.460+222G>A on transcript NM_001130987.2 (MANE Select); 222 bases into the intron after coding-DNA position 460, G replaced by A.
Molecular consequence: intron variant.
Genome position (GRCh38, 1-based): chr2:71,512,143, G>A. VCF-style: chr2-71512143-G-A. GRCh37 (hg19) VCF-style: chr2-71739273-G-A.
Other names: c.457+222G>A (NM_001130979.2, NM_001130981.2, NM_001130980.2 and 4 more transcripts); c.460+222G>A (NM_001130982.2, NM_001130985.2, NM_001130983.2 and 3 more transcripts).
Identifiers: ClinVar variation 679367 (VCV000679367.1), dbSNP rs59644933, ClinGen allele CA11301391.